The following continues an entry in ClinVar:

NM_005359.6(SMAD4):c.535A>G (p.Ile179Val)

Gene: SMAD4. ClinVar aggregate classification (germline): Conflicting classifications of pathogenicity. Uncertain significance (13); Benign (2).

Submissions 12 to 16 of 16:

Myriad Genetics, Inc.
Classification: Uncertain significance for Juvenile polyposis/hereditary hemorrhagic telangiectasia syndrome. Last evaluated: 2023-04-10. Review status: criteria provided, single submitter. Criteria: Myriad Autosomal Dominant, Autosomal Recessive and X-Linked Classification Criteria (2023). Collection method: clinical testing. Allele origin: unknown.
Comment: This variant is classified as a variant of uncertain significance as there is insufficient evidence to determine its impact on protein function and/or cancer risk.

Victorian Clinical Genetics Services, Murdoch Childrens Research Institute
Classification: Uncertain significance for Juvenile polyposis/hereditary hemorrhagic telangiectasia syndrome. Last evaluated: 2022-02-02. Review status: criteria provided, single submitter. Criteria: ACMG Guidelines, 2015. Collection method: clinical testing. Allele origin: germline. Inheritance: Autosomal dominant inheritance. Affected: yes.
Comment: Based on the classification scheme VCGS_Germline_v1.3.4, this variant is classified as VUS-3B. Following criteria are met: 0103 - Loss of function and gain of function are known mechanisms of disease in this gene and are associated with juvenile intestinal polyposis or juvenile polyposis/hereditary hemorrhagic telangiectasia syndrome (MIM#174900, #175050), and Myhre syndrome (MIM#139210), respectively (OMIM, PMID: 31837202). (I) 0107 - This gene is associated with autosomal dominant disease. (I) 0200 - Variant is predicted to result in a missense amino acid change from isoleucine to valine. (I) 0251 - This variant is heterozygous. (I) 0302 - Variant is present in gnomAD (v2) <0.001 for a dominant condition (4 heterozygotes, 0 homozygotes). (SP) 0502 - Missense variant with conflicting in silico predictions and uninformative conservation. (I) 0604 - Variant is not located in an established domain, motif, hotspot or informative constraint region. (I) 0710 - Another missense variant comparable to the one identified in this case has inconclusive previous evidence for pathogenicity. The variant p.(Ile179Phe) has been reported once as a variant of unknown significance in ClinVar. (I) 0809 - Previous evidence of pathogenicity for this variant is inconclusive. This variant has been reported in the ClinVar database 6 times as a variant of unknown significance (VUS). It has also been reported as a VUS in the germline of an individual with colorectal cancer (PMID: 28135145). (I) 0905 - No published segregation evidence has been identified for this variant. (I) 1007 - No published functional evidence has been identified for this variant. (I) 1208 - Inheritance information for this variant is not currently available in this individual. (I) Legend: (SP) - Supporting pathogenic, (I) - Information, (SB) - Supporting benign

Sema4
Classification: Uncertain significance for Hereditary cancer-predisposing syndrome. Last evaluated: 2021-07-18. Review status: criteria provided, single submitter. Criteria: Sema4 Curation Guidelines. Collection method: curation. Allele origin: germline.
Comment: The SMAD4 c.535A>G (p.I179V) variant has been reported in literature in 1 individual with colorectal cancer (PMID 28135145) and as a somatic variant in 2 individuals with lung adenocarcinoma and colorectal cancer (PMID 23559152, 26956206). This variant was observed in 4/282890 chromosomes in the large and broad cohorts of Genome Aggregation Database (PMID: 32461654). This variant has been reported in ClinVar (Variation ID 185866). Functional studies have not been performed, and in silico predictions of the variant's effect on protein function are inconclusive. The overall evidence is insufficient to meet ACMG/AMP criteria for classifying it as benign or pathogenic. In summary, the clinical significance of this variant is currently uncertain.

Fulgent Genetics
Classification: Uncertain significance for Myhre syndrome; Juvenile polyposis syndrome; Juvenile polyposis/hereditary hemorrhagic telangiectasia syndrome; Familial pancreatic carcinoma. Last evaluated: 2018-10-31. Review status: criteria provided, single submitter. Criteria: ACMG Guidelines, 2015. Collection method: clinical testing. Allele origin: unknown.

Counsyl
Classification: Uncertain significance for Juvenile polyposis syndrome. Last evaluated: 2017-08-01. Review status: no assertion criteria provided. Collection method: clinical testing. Allele origin: unknown. Not counted in ClinVar's aggregate classification.

Literature cited by the submitters: PubMed 28135145 (cited by 8 submitters); PubMed 39907309 (cited by Women's Health and Genetics/Laboratory Corporation of America, LabCorp and Quest Diagnostics Nichols Institute San Juan Capistrano); PubMed 23559152 (cited by Quest Diagnostics Nichols Institute San Juan Capistrano and Sema4); PubMed 25742471 (cited by Quest Diagnostics Nichols Institute San Juan Capistrano); PubMed 38763942 (cited by Quest Diagnostics Nichols Institute San Juan Capistrano); PubMed 31837202 (cited by Victorian Clinical Genetics Services, Murdoch Childrens Research Institute); PubMed 26956206 (cited by Sema4).